The following is an entry in ClinVar:

ClinVar aggregate classification (germline): Uncertain significance (0 of 4 stars; one submission).

Conditions:
NRP2-related disorder. Also called: NRP2-related condition.

gnomAD v4.1: 53 of 1,614,066 alleles (0.0033%); highest among the groups gnomAD compares: Middle Eastern, 0.049%; no homozygotes.

Submission:

PreventionGenetics, part of Exact Sciences
Classification: Uncertain significance for NRP2-related condition. Last evaluated: 2024-03-22. Review status: no assertion criteria provided. Collection method: clinical testing. Allele origin: germline.
Comment: The NRP2 c.2369G>A variant is predicted to result in the amino acid substitution p.Arg790Gln. To our knowledge, this variant has not been reported in the literature. This variant is reported in 0.038% of alleles in individuals of East Asian descent in gnomAD. At this time, the clinical significance of this variant is uncertain due to the absence of conclusive functional and genetic evidence.

NM_003872.3(NRP2):c.2369G>A (p.Arg790Gln)

Gene: NRP2 (neuropilin 2; plus strand). Cytogenetic location: 2q33.3.
Variant type: single nucleotide variant.
Coding change: c.2369G>A on transcript NM_003872.3 (MANE Select); coding-DNA position 2369, G replaced by A.
Protein change: p.Arg790Gln; replaces arginine 790 with glutamine.
Molecular consequence: missense variant.
Genome position (GRCh38, 1-based): chr2:205,765,535, G>A. VCF-style: chr2-205765535-G-A. GRCh37 (hg19) VCF-style: chr2-206630259-G-A.
Other names: c.2369G>A, p.Arg790Gln (NM_018534.4, NM_201266.2, NM_201267.2 and 1 more transcripts); short protein forms R790Q.
Identifiers: ClinVar variation 3352428 (VCV003352428.1).